The following is an entry in ClinVar:

NM_014844.5(TECPR2):c.3073C>A (p.Gln1025Lys)

Gene: TECPR2 (tectonin beta-propeller repeat containing 2; plus strand). Cytogenetic location: 14q32.31.
Variant type: single nucleotide variant.
Coding change: c.3073C>A on transcript NM_014844.5 (MANE Select); coding-DNA position 3073, C replaced by A.
Protein change: p.Gln1025Lys; replaces glutamine 1025 with lysine.
Molecular consequence: missense variant.
Genome position (GRCh38, 1-based): chr14:102,445,945, C>A. VCF-style: chr14-102445945-C-A. GRCh37 (hg19) VCF-style: chr14-102912282-C-A.
Other names: c.3073C>A, p.Gln1025Lys (NM_001172631.3); c.3073C>A (NM_014844.3); short protein forms Q1025K.
Identifiers: ClinVar variation 2157977 (VCV002157977.2), dbSNP rs182606999, ClinGen allele CA7358121.

ClinVar aggregate classification (germline): Uncertain significance. Review status: criteria provided, multiple submitters, no conflicts (2 of 4 stars). 2 submissions from 2 submitters: Uncertain significance (2). Last evaluated 2023-12-15.

Conditions:
Inborn genetic diseases. Identifiers: MedGen C0950123, MeSH D030342.
Hereditary spastic paraplegia 49 (HSAN9). Also called: Spastic paraplegia 49, autosomal recessive; TECPR2-Related Hereditary Sensory and Autonomic Neuropathy with Intellectual Disability; NEUROPATHY, HEREDITARY SENSORY AND AUTONOMIC, TYPE IX, WITH DEVELOPMENTAL DELAY. Identifiers: Orphanet 320385, MedGen C5190860, MONDO:0014016, OMIM 615031.

Allele frequency attached by ClinVar (database versions not stated): ExAC 0.00001; gnomAD exomes 0.00001; gnomAD 0.00003; TOPMed 0.00003; 1000 Genomes Project 30x 0.00016; 1000 Genomes Project 0.00020.
gnomAD v4.1: 17 of 1,613,666 alleles (0.0011%); highest among the groups gnomAD compares: Admixed American, 0.0033%; no homozygotes.

Submissions (2):

Ambry Genetics
Classification: Uncertain significance for Inborn genetic diseases. Last evaluated: 2023-12-15. Review status: criteria provided, single submitter. Criteria: Ambry Variant Classification Scheme 2023. Collection method: clinical testing. Allele origin: germline.

Labcorp Genetics (formerly Invitae), Labcorp
Classification: Uncertain significance for Hereditary spastic paraplegia 49. Last evaluated: 2022-06-18. Review status: criteria provided, single submitter. Criteria: Invitae Variant Classification Sherloc (09022015). Collection method: clinical testing. Allele origin: germline.
Comment: This sequence change replaces glutamine, which is neutral and polar, with lysine, which is basic and polar, at codon 1025 of the TECPR2 protein (p.Gln1025Lys). This variant is present in population databases (rs182606999, gnomAD 0.007%). This variant has not been reported in the literature in individuals affected with TECPR2-related conditions. Algorithms developed to predict the effect of missense changes on protein structure and function are either unavailable or do not agree on the potential impact of this missense change (SIFT: "Deleterious"; PolyPhen-2: "Probably Damaging"; Align-GVGD: "Class C0"). In summary, the available evidence is currently insufficient to determine the role of this variant in disease. Therefore, it has been classified as a Variant of Uncertain Significance.